The following is an entry in ClinVar:

ClinVar aggregate classification (germline): Conflicting classifications of pathogenicity. Review status: criteria provided, conflicting classifications (1 of 4 stars). 4 submissions from 4 submitters: Uncertain significance (3); Likely benign (1). Last evaluated 2026-04-01.

Conditions:
Nemaline myopathy 10 (NEM10). Identifiers: MedGen C4015360, MONDO:0014513, OMIM 616165.

Allele frequency attached by ClinVar (database versions not stated): 1000 Genomes Project 30x 0.00031; 1000 Genomes Project 0.00040; gnomAD 0.00044 and 0.00047; TOPMed 0.00046; gnomAD exomes 0.00050 and 0.00059; ExAC 0.00058; ESP Exome Variant Server 0.00074.
gnomAD v4.1: 926 of 1,611,950 alleles (0.057%); highest among the groups gnomAD compares: Middle Eastern, 0.083%; no homozygotes.

Submissions (4):

CeGaT Center for Human Genetics Tuebingen
Classification: Likely benign. Last evaluated: 2026-04-01. Review status: criteria provided, single submitter. Criteria: CeGaT Center For Human Genetics Tuebingen Variant Classification Criteria Version 2. Collection method: clinical testing. Allele origin: germline. Affected: yes. Observed: 1 variant allele.
Comment: LMOD3: BP1

GeneDx
Classification: Uncertain significance. Last evaluated: 2024-12-19. Review status: criteria provided, single submitter. Criteria: GeneDx Variant Classification Process June 2021. Collection method: clinical testing. Allele origin: germline. Affected: yes.
Comment: In silico analysis indicates that this missense variant does not alter protein structure/function; Has not been previously published as pathogenic or benign to our knowledge

Blueprint Genetics
Classification: Uncertain significance. Last evaluated: 2024-11-26. Review status: criteria provided, single submitter. Criteria: ACMG Guidelines, 2015. Collection method: clinical testing. Allele origin: germline.

Labcorp Genetics (formerly Invitae), Labcorp
Classification: Uncertain significance for Nemaline myopathy 10. Last evaluated: 2024-01-16. Review status: criteria provided, single submitter. Criteria: Invitae Variant Classification Sherloc (09022015). Collection method: clinical testing. Allele origin: germline.
Comment: This sequence change replaces tyrosine, which is neutral and polar, with histidine, which is basic and polar, at codon 549 of the LMOD3 protein (p.Tyr549His). This variant is present in population databases (rs200045981, gnomAD 0.08%), and has an allele count higher than expected for a pathogenic variant. This variant has not been reported in the literature in individuals affected with LMOD3-related conditions. ClinVar contains an entry for this variant (Variation ID: 542081). An algorithm developed to predict the effect of missense changes on protein structure and function (PolyPhen-2) suggests that this variant is likely to be disruptive. In summary, the available evidence is currently insufficient to determine the role of this variant in disease. Therefore, it has been classified as a Variant of Uncertain Significance.

NM_198271.5(LMOD3):c.1645T>C (p.Tyr549His)

Gene: LMOD3 (leiomodin 3; minus strand). Cytogenetic location: 3p14.1.
Variant type: single nucleotide variant.
Coding change: c.1645T>C on transcript NM_198271.5 (MANE Select); coding-DNA position 1645, T replaced by C.
Protein change: p.Tyr549His; replaces tyrosine 549 with histidine.
Molecular consequence: missense variant.
Genome position (GRCh38, 1-based): chr3:69,118,710, A>G on the plus strand (T>C on the coding strand, the complement: LMOD3 is on the minus strand). VCF-style: chr3-69118710-A-G. GRCh37 (hg19) VCF-style: chr3-69167861-A-G.
Other names: c.1645T>C, p.Tyr549His (NM_001304418.3); short protein forms Y549H.
Identifiers: ClinVar variation 542081 (VCV000542081.14), dbSNP rs200045981, ClinGen allele CA2488711.